The following is an entry in ClinVar:

ClinVar aggregate classification (germline): Uncertain significance (1 of 4 stars; one submission).

gnomAD v4.1: 3 of 1,608,032 alleles (0.00019%); highest among the groups gnomAD compares: African/African-American, 0.004%; no homozygotes.

Submission:

GeneDx
Classification: Uncertain significance. Last evaluated: 2023-07-26. Review status: criteria provided, single submitter. Criteria: GeneDx Variant Classification Process June 2021. Collection method: clinical testing. Allele origin: germline. Affected: yes.
Comment: In silico analysis supports that this missense variant does not alter protein structure/function; Has not been previously published as pathogenic or benign to our knowledge

NM_006947.4(SRP72):c.1075G>A (p.Glu359Lys)

Gene: SRP72 (signal recognition particle 72; plus strand). Cytogenetic location: 4q12.
Variant type: single nucleotide variant.
Coding change: c.1075G>A on transcript NM_006947.4 (MANE Select); coding-DNA position 1075, G replaced by A.
Protein change: p.Glu359Lys; replaces glutamic acid 359 with lysine.
Molecular consequence: missense variant. On other transcripts: non-coding transcript variant (1).
Genome position (GRCh38, 1-based): chr4:56,484,853, G>A. VCF-style: chr4-56484853-G-A. GRCh37 (hg19) VCF-style: chr4-57351019-G-A.
Other names: c.892G>A, p.Glu298Lys (NM_001267722.2); short protein forms E298K, E359K.
Identifiers: ClinVar variation 3361647 (VCV003361647.1).
Genomic context (GRCh38, chr4:56,484,853, plus strand): 5'-TTACCTGTGTTAATCCAAGCTGCCCAGCTCTGCCGTGAAAAGCAGCACACAAAAGCAATA[G>A]AGCTGCTTCAGGTAAAATAATTACTTGAATGAGGTGTCAGACATTTGCAGCTTTGTTTCA-3'
Protein context (NP_008878.3, residues 349-369): CREKQHTKAI[Glu359Lys]LLQEFSDQHP